The following is an entry in ClinVar:

NM_001322934.2(NFKB2):c.2702G>C (p.Ter901Ser)

Gene: NFKB2 (nuclear factor kappa B subunit 2; plus strand). Cytogenetic location: 10q24.32.
Variant type: single nucleotide variant.
Coding change: c.2702G>C on transcript NM_001322934.2 (MANE Select); coding-DNA position 2702, G replaced by C.
Protein change: p.Ter901Ser.
Molecular consequence: stop lost.
Genome position (GRCh38, 1-based): chr10:102,402,375, G>C. VCF-style: chr10-102402375-G-C. GRCh37 (hg19) VCF-style: chr10-104162132-G-C.
Other names: c.2702G>C, p.Ter901Ser (NM_001077494.3); c.2699G>C, p.Ter900Ser (NM_001261403.3, NM_001288724.1, NM_002502.6); c.2576G>C, p.Ter859Ser (NM_001322935.1).
Identifiers: ClinVar variation 3646626 (VCV003646626.2).

ClinVar aggregate classification (germline): Uncertain significance (1 of 4 stars; one submission).

Conditions:
Immunodeficiency, common variable, 10. Also called: IMMUNODEFICIENCY, COMMON VARIABLE, WITH CENTRAL ADRENAL INSUFFICIENCY; DEFICIT IN ANTERIOR PITUITARY FUNCTION AND VARIABLE IMMUNODEFICIENCY. Identifiers: MedGen C3809991, MONDO:0014260, OMIM 615577.

Submission:

Labcorp Genetics (formerly Invitae), Labcorp
Classification: Uncertain significance for Immunodeficiency, common variable, 10. Last evaluated: 2024-03-18. Review status: criteria provided, single submitter. Criteria: Invitae Variant Classification Sherloc (09022015). Collection method: clinical testing. Allele origin: germline.
Comment: This sequence change disrupts the translational stop signal of the NFKB2 mRNA. It is expected to extend the length of the NFKB2 protein by 24 additional amino acid residues. This variant is not present in population databases (gnomAD no frequency). This variant has not been reported in the literature in individuals affected with NFKB2-related conditions. Experimental studies and prediction algorithms are not available or were not evaluated, and the functional significance of this variant is currently unknown. In summary, the available evidence is currently insufficient to determine the role of this variant in disease. Therefore, it has been classified as a Variant of Uncertain Significance.